The following is an entry in ClinVar:

NM_000548.5(TSC2):c.712C>A (p.Leu238Met)

Gene: TSC2 (TSC complex subunit 2; plus strand). Cytogenetic location: 16p13.3.
Variant type: single nucleotide variant.
Coding change: c.712C>A on transcript NM_000548.5 (MANE Select); coding-DNA position 712, C replaced by A.
Protein change: p.Leu238Met; replaces leucine 238 with methionine.
Molecular consequence: missense variant. On other transcripts: 5 prime UTR variant (10), non-coding transcript variant (5).
Genome position (GRCh38, 1-based): chr16:2,056,707, C>A. VCF-style: chr16-2056707-C-A. GRCh37 (hg19) VCF-style: chr16-2106708-C-A.
Other names: c.565C>A, p.Leu189Met (NM_001406675.1, NM_001406676.1, NM_001406679.1 and 1 more transcripts); c.655C>A, p.Leu219Met (NM_001406677.1); c.601C>A, p.Leu201Met (NM_001406678.1, NM_001318827.2, NM_001406670.1); c.112C>A, p.Leu38Met (NM_001406680.1, NM_001406682.1, NM_001406683.1 and 6 more transcripts); c.250C>A, p.Leu84Met (NM_001406681.1); c.712C>A, p.Leu238Met (NM_001077183.3, NM_001114382.3, NM_001363528.2 and 6 more transcripts); c.745C>A, p.Leu249Met (NM_001318832.2); c.802C>A, p.Leu268Met (NM_001406667.1, NM_001406668.1); and 4 more; short protein forms L189M, L201M, L219M, L234M, L238M, L249M, L268M, L38M.
Identifiers: ClinVar variation 4802839 (VCV004802839.1).

ClinVar aggregate classification (germline): Uncertain significance (1 of 4 stars; one submission).

Conditions:
Tuberous sclerosis 2 (TSC2). Identifiers: Orphanet 805, MedGen C1860707, MONDO:0013199, OMIM 613254.

Submission:

Labcorp Genetics (formerly Invitae), Labcorp
Classification: Uncertain significance for Tuberous sclerosis 2. Last evaluated: 2025-11-24. Review status: criteria provided, single submitter. Criteria: Invitae Variant Classification Sherloc (09022015). Collection method: clinical testing. Allele origin: germline.
Comment: This sequence change replaces leucine, which is neutral and non-polar, with methionine, which is neutral and non-polar, at codon 238 of the TSC2 protein (p.Leu238Met). This variant is not present in population databases (gnomAD no frequency). This variant has not been reported in the literature in individuals affected with TSC2-related conditions. Invitae Evidence Modeling of protein sequence and biophysical properties (such as structural, functional, and spatial information, amino acid conservation, physicochemical variation, residue mobility, and thermodynamic stability) indicates that this missense variant is not expected to disrupt TSC2 protein function with a negative predictive value of 95%. In summary, the available evidence is currently insufficient to determine the role of this variant in disease. Therefore, it has been classified as a Variant of Uncertain Significance.